The following is an entry in ClinVar:

NM_000228.3(LAMB3):c.143del (p.Gly48fs)

Gene: LAMB3 (laminin subunit beta 3; minus strand). Cytogenetic location: 1q32.2.
Variant type: Deletion.
Coding change: c.143del on transcript NM_000228.3 (MANE Select); coding-DNA position 143, one base deleted (G; older notation c.143delG).
Protein change: p.Gly48fs; shifts the reading frame from glycine 48.
Molecular consequence: frameshift variant.
Genome position (GRCh38, 1-based): chr1:209,650,004, C deleted on the plus strand (G on the coding strand, the reverse complement: LAMB3 is on the minus strand); the first of 2 consecutive C bases (chr1:209,650,004-209,650,005); deleting either gives the same sequence. VCF-style (leftmost placement, unchanged base first): chr1-209650003-TC-T. GRCh37 (hg19) VCF-style: chr1-209823348-TC-T.
Other names: c.143del, p.Gly48fs (NM_001017402.2, NM_001127641.1); short protein forms G48fs.
Identifiers: ClinVar variation 5015335 (VCV005015335.1).
Genomic context (GRCh38, chr1:209,650,003, plus strand): 5'-GTCCTGGGAAGTAGGGCCTACCTCGCCATACTGGGTGCAGTAGGTCTCAGGCTTGGTCAG[TC>T]CACAGGTAGATGAAGCTCGGAGAAACCGGGTCCTCCCAACAAGCAGGTCCCCAACAGGTG-3'

ClinVar aggregate classification (germline): Pathogenic (1 of 4 stars; one submission).

Conditions:
Junctional epidermolysis bullosa. Identifiers: Orphanet 305, MedGen C0079301, MONDO:0017612.

Submission:

Myriad Genetics, Inc.
Classification: Pathogenic for Junctional epidermolysis bullosa. Last evaluated: 2025-12-17. Review status: criteria provided, single submitter. Criteria: Myriad Autosomal Dominant, Autosomal Recessive and X-Linked Classification Criteria (2023). Collection method: clinical testing. Allele origin: unknown.
Comment: NM_000228.2(LAMB3):c.143delG(G48Dfs*2) is expected to be pathogenic in the context of junctional epidermolysis bullosa, LAMB3-related. This variant is predicted to lead to an abnormal or absent protein product due to the creation of a premature termination codon in LAMB3, a gene where loss-of-function variants are known to be pathogenic. Please note: this variant was assessed in the context of healthy population screening.